The following is an entry in ClinVar:

ClinVar aggregate classification (germline): Uncertain significance (1 of 4 stars; one submission).

Submission:

Ambry Genetics
Classification: Uncertain significance. Last evaluated: 2023-11-03. Review status: criteria provided, single submitter. Criteria: Ambry Variant Classification Scheme 2023. Collection method: clinical testing. Allele origin: germline.
Comment: The p.M309T variant (also known as c.926T>C), located in coding exon 7 of the RINT1 gene, results from a T to C substitution at nucleotide position 926. The methionine at codon 309 is replaced by threonine, an amino acid with similar properties. This amino acid position is conserved. In addition, this alteration is predicted to be deleterious by in silico analysis. Since supporting evidence is limited at this time, the clinical significance of this alteration remains unclear.

NM_021930.6(RINT1):c.926T>C (p.Met309Thr)

Gene: RINT1 (RAD50 interactor 1; plus strand). Cytogenetic location: 7q22.3.
Variant type: single nucleotide variant.
Coding change: c.926T>C on transcript NM_021930.6 (MANE Select); coding-DNA position 926, T replaced by C.
Protein change: p.Met309Thr; replaces methionine 309 with threonine.
Molecular consequence: missense variant. On other transcripts: 5 prime UTR variant (1), initiator codon variant (1), non-coding transcript variant (1), intron variant (1).
Genome position (GRCh38, 1-based): chr7:105,548,640, T>C. VCF-style: chr7-105548640-T-C. GRCh37 (hg19) VCF-style: chr7-105189087-T-C.
Other names: c.692T>C, p.Met231Thr (NM_001346599.2); c.-94T>C (NM_001346600.2); c.2T>C, p.Met1Thr (NM_001346601.2); c.-27-1415T>C (NM_001346603.2); short protein forms M1T, M231T, M309T.
Identifiers: ClinVar variation 3227674 (VCV003227674.1), dbSNP rs2485127843, ClinGen allele CA368807996.